The following is an entry in ClinVar:

NM_004260.4(RECQL4):c.1879-1G>A

Gene: RECQL4 (RecQ like helicase 4; minus strand). Cytogenetic location: 8q24.3.
Variant type: single nucleotide variant.
Coding change: c.1879-1G>A on transcript NM_004260.4 (MANE Select); the canonical splice acceptor site of the intron before coding-DNA position 1879, G replaced by A.
Molecular consequence: splice acceptor variant.
Genome position (GRCh38, 1-based): chr8:144,514,108, C>T on the plus strand (G>A on the coding strand, the complement: RECQL4 is on the minus strand). VCF-style: chr8-144514108-C-T. GRCh37 (hg19) VCF-style: chr8-145739492-C-T.
Other names: c.1750-1G>A (NM_001413025.1); c.1528-1G>A (NM_001413029.1); c.742-1G>A (NM_001413032.1, NM_001413027.1, NM_001413030.1 and 1 more transcripts); c.808-1G>A (NM_001413035.1, NM_001413040.1, NM_001413021.1 and 6 more transcripts); c.1783-1G>A (NM_001413017.1, NM_001413020.1); c.1849-1G>A (NM_001413039.1); c.1747-1G>A (NM_001413033.1); c.1879-1G>A (NM_001413018.1, NM_001413036.1, NM_001413019.1); and 4 more.
Identifiers: ClinVar variation 2843891 (VCV002843891.3), dbSNP rs2538035560, ClinGen allele CA372680566.

ClinVar aggregate classification (germline): Likely pathogenic (1 of 4 stars; one submission).

Conditions:
Baller-Gerold syndrome (BGS). Also called: CRANIOSYNOSTOSIS WITH RADIAL DEFECTS. Identifiers: Orphanet 1225, MedGen C0265308, MONDO:0009039, OMIM 218600.

Allele frequency attached by ClinVar (database versions not stated): gnomAD exomes below 0.00001.

Submission:

Labcorp Genetics (formerly Invitae), Labcorp
Classification: Likely pathogenic for Baller-Gerold syndrome. Last evaluated: 2024-11-19. Review status: criteria provided, single submitter. Criteria: Invitae Variant Classification Sherloc (09022015). Collection method: clinical testing. Allele origin: germline.
Comment: This sequence change affects an acceptor splice site in intron 11 of the RECQL4 gene. It is expected to disrupt RNA splicing. Variants that disrupt the donor or acceptor splice site typically lead to a loss of protein function (PMID: 16199547), and loss-of-function variants in RECQL4 are known to be pathogenic (PMID: 12734318, 12952869). This variant is not present in population databases (gnomAD no frequency). This variant has not been reported in the literature in individuals affected with RECQL4-related conditions. ClinVar contains an entry for this variant (Variation ID: 2843891). Algorithms developed to predict the effect of sequence changes on RNA splicing suggest that this variant may disrupt the consensus splice site. In summary, the currently available evidence indicates that the variant is pathogenic, but additional data are needed to prove that conclusively. Therefore, this variant has been classified as Likely Pathogenic.

Literature cited by the submitters: PubMed 16199547; PubMed 12734318; PubMed 12952869.